The following is an entry in ClinVar:

NM_001276270.2(MBD4):c.942_945del (p.Glu314fs)

Gene: MBD4 (methyl-CpG binding domain 4, DNA glycosylase; minus strand). Cytogenetic location: 3q21.3.
Variant type: Microsatellite.
Coding change: c.942_945del on transcript NM_001276270.2 (MANE Select); coding-DNA positions 942 to 945, 4 bases deleted (AAGA; older notation c.942_945delAAGA).
Protein change: p.Glu314fs; shifts the reading frame from glutamic acid 314.
Molecular consequence: frameshift variant. On other transcripts: intron variant (1).
Genome position (GRCh38, 1-based): chr3:129,436,699-129,436,702, TCTT deleted on the plus strand (AAGA on the coding strand, the reverse complement: MBD4 is on the minus strand); deleting any 4 consecutive bases within chr3:129,436,699-129,436,707 gives the same sequence; the c. name uses the placement nearest the transcript's 3' end. VCF-style (leftmost placement, unchanged base first): chr3-129436698-ATCTT-A. GRCh37 (hg19) VCF-style: chr3-129155541-ATCTT-A.
Other names: c.942_945delAAGA (NM_003925.2, NM_001276270.2); c.942_945del, p.Glu314fs (NM_001276271.2, NM_001276272.2, NM_003925.3); c.247+1106_247+1109del (NM_001276273.2); short protein forms E314fs.
Identifiers: ClinVar variation 2203429 (VCV002203429.9), dbSNP rs758351838, ClinGen allele CA2605440.

ClinVar aggregate classification (germline): Pathogenic/Likely pathogenic. Review status: criteria provided, multiple submitters, no conflicts (2 of 4 stars). 6 submissions from 6 submitters: Pathogenic (5); Likely pathogenic (1). Last evaluated 2026-09-21.

Conditions:
MBD4-related disorder. Also called: MBD4-related condition.
Tumor predisposition syndrome 2 (TPDS2). Also called: MBD4-associated neoplasia syndrome (MANS); MBD4-ASSOCIATED NEOPLASIA SYNDROME; MBD4-Related Tumor Predisposition Syndrome. Identifiers: Orphanet 661526, MedGen C5774186, MONDO:0859267, OMIM 619975.
Inborn genetic diseases. Identifiers: MedGen C0950123, MeSH D030342.

Submissions (6):

PreventionGenetics, part of Exact Sciences
Classification: Pathogenic for MBD4-related condition. Last evaluated: 2026-09-21. Review status: criteria provided, single submitter. Criteria: ACMG Guidelines, 2015. Collection method: clinical testing. Allele origin: germline.
Comment: The MBD4 c.942_945delAAGA variant is predicted to result in a frameshift and premature protein termination (p.Glu314Aspfs*3). This variant has been reported in individuals with breast cancer, and it was observed to segregate with disease in a family with breast cancer, prostate cancer, and cutaneous melanoma (Villy et al. 2024. PubMed ID: 38060262). This variant is reported in 0.025% of alleles in individuals of African descent in gnomAD and it is consistently interpreted as pathogenic/likely pathogenic in ClinVar (Variation ID: 2203429). Frameshift variants in MBD4 are expected to be pathogenic. This variant is interpreted as pathogenic.

Labcorp Genetics (formerly Invitae), Labcorp
Classification: Pathogenic. Last evaluated: 2026-01-22. Review status: criteria provided, single submitter. Criteria: Invitae Variant Classification Sherloc (09022015). Collection method: clinical testing. Allele origin: germline.
Comment: This sequence change creates a premature translational stop signal (p.Glu314Aspfs*3) in the MBD4 gene. It is expected to result in an absent or disrupted protein product. Loss-of-function variants in MBD4 are known to be pathogenic (PMID: 30049810, 35460607). This variant is present in population databases (rs758351838, gnomAD 0.03%). This variant has not been reported in the literature in individuals affected with MBD4-related conditions. For these reasons, this variant has been classified as Pathogenic.

Dasa
Classification: Pathogenic. Last evaluated: 2026-01-15. Review status: criteria provided, single submitter. Criteria: DASA Assertion Criteria. Collection method: clinical testing. Allele origin: germline.
Comment: NM_001276270.2(MBD4):c.942_945del (p.Glu314Aspfs*3) is a frameshift variant in MBD4 predicted to alter the reading frame and introduce a premature termination codon and is predicted to result in an absent or altered protein product. Loss of function is an established disease mechanism for MBD4-associated disorders. This variant has been reported in individuals with MBD4-related disorders (PMID: 35460607). Also, this variant is rare in population databases. Based on the currently available evidence, this variant is classified as pathogenic.

Myriad Genetics, Inc.
Classification: Pathogenic for Tumor predisposition syndrome 2. Last evaluated: 2025-12-04. Review status: criteria provided, single submitter. Criteria: Myriad Autosomal Dominant, Autosomal Recessive and X-Linked Classification Criteria (2023). Collection method: clinical testing. Allele origin: unknown.
Comment: This variant is considered pathogenic. This variant creates a frameshift predicted to result in premature protein truncation.

Institute for Genomic Medicine (IGM) Clinical Laboratory, Nationwide Children's Hospital
Classification: Likely pathogenic for Tumor predisposition syndrome 2. Last evaluated: 2025-07-08. Review status: criteria provided, single submitter. Criteria: ACMG Guidelines, 2015. Collection method: clinical testing. Allele origin: germline.
Comment: This variant is predicted to result in loss of function through nonsense-mediated decay of the encoded transcript or premature truncation of the encoded protein in a gene in which loss of function is a known mechanism of disease (ACMG/AMP: PVS1; PMIDs:30049810, 32239153, 35460607). This variant is absent from or present at an exceedingly low frequency in gnomAD, a large-scale control population database (ACMG/AMP: PM2).

Ambry Genetics
Classification: Pathogenic for Inborn genetic diseases. Last evaluated: 2024-12-12. Review status: criteria provided, single submitter. Criteria: Ambry Variant Classification Scheme 2023. Collection method: clinical testing. Allele origin: germline.
Comment: The c.942_945delAAGA pathogenic mutation, located in coding exon 3 of the MBD4 gene, results from a deletion of 4 nucleotides at nucleotide positions 942 to 945, causing a translational frameshift with a predicted alternate stop codon (p.E314Dfs*3). This variant is considered to be rare based on population cohorts in the Genome Aggregation Database (gnomAD). This alteration is expected to result in loss of function by premature protein truncation or nonsense-mediated mRNA decay. As such, this alteration is interpreted as a disease-causing mutation.

Literature cited by the submitters: PubMed 30049810 (cited by 3 submitters); PubMed 35460607 (cited by 3 submitters); PubMed 32239153 (cited by Institute for Genomic Medicine (IGM) Clinical Laboratory, Nationwide Children's Hospital).